The following is an entry in ClinVar:

NM_001042492.3(NF1):c.3053T>A (p.Leu1018Ter)

Gene: NF1 (neurofibromin 1; plus strand). Cytogenetic location: 17q11.2.
Variant type: single nucleotide variant.
Coding change: c.3053T>A on transcript NM_001042492.3 (MANE Select); coding-DNA position 3053, T replaced by A.
Protein change: p.Leu1018Ter; replaces leucine 1018 with a stop codon.
Molecular consequence: nonsense.
Genome position (GRCh38, 1-based): chr17:31,230,322, T>A. VCF-style: chr17-31230322-T-A. GRCh37 (hg19) VCF-style: chr17-29557340-T-A.
Other names: c.3053T>A, p.Leu1018Ter (NM_000267.4); short protein forms L1018*.
Identifiers: ClinVar variation 664969 (VCV000664969.5), dbSNP rs1597716924, ClinGen allele CA398987390.

ClinVar aggregate classification (germline): Pathogenic (1 of 4 stars; one submission).

Conditions:
Neurofibromatosis, type 1 (NF1). Also called: VON RECKLINGHAUSEN DISEASE; NEUROFIBROMATOSIS, TYPE I, SOMATIC; Peripheral type neurofibromatosis; Neurofibromatosis, type I. Identifiers: Orphanet 636, MedGen C0027831, MONDO:0018975, OMIM 162200. Disease mechanism: loss of function.

Submission:

Labcorp Genetics (formerly Invitae), Labcorp
Classification: Pathogenic for Neurofibromatosis, type 1. Last evaluated: 2018-08-01. Review status: criteria provided, single submitter. Criteria: Invitae Variant Classification Sherloc (09022015). Collection method: clinical testing. Allele origin: germline.
Comment: Loss-of-function variants in NF1 are known to be pathogenic (PMID: 10712197, 23913538). This sequence change creates a premature translational stop signal (p.Leu1018*) in the NF1 gene. It is expected to result in an absent or disrupted protein product. This variant is not present in population databases (ExAC no frequency). This variant has been observed in an individual affected with neurofibromatosis type 1 (PMID: 27838393). For these reasons, this variant has been classified as Pathogenic.

Literature cited by the submitters: PubMed 10712197; PubMed 23913538; PubMed 27838393.